The following is an entry in ClinVar:

ClinVar aggregate classification (germline): Uncertain significance (1 of 4 stars; one submission).

Submission:

Labcorp Genetics (formerly Invitae), Labcorp
Classification: Uncertain significance. Last evaluated: 2025-11-28. Review status: criteria provided, single submitter. Criteria: Invitae Variant Classification Sherloc (09022015). Collection method: clinical testing. Allele origin: germline.
Comment: This sequence change replaces threonine, which is neutral and polar, with isoleucine, which is neutral and non-polar, at codon 273 of the OAS1 protein (p.Thr273Ile). This variant is not present in population databases (gnomAD no frequency). This variant has not been reported in the literature in individuals affected with OAS1-related conditions. An algorithm developed to predict the effect of missense changes on protein structure and function (PolyPhen-2) suggests that this variant is likely to be disruptive. In summary, the available evidence is currently insufficient to determine the role of this variant in disease. Therefore, it has been classified as a Variant of Uncertain Significance.

NM_016816.4(OAS1):c.818C>T (p.Thr273Ile)

Gene: OAS1 (2'-5'-oligoadenylate synthetase 1; plus strand). Cytogenetic location: 12q24.13.
Variant type: single nucleotide variant.
Coding change: c.818C>T on transcript NM_016816.4 (MANE Select); coding-DNA position 818, C replaced by T.
Protein change: p.Thr273Ile; replaces threonine 273 with isoleucine.
Molecular consequence: missense variant. On other transcripts: non-coding transcript variant (9).
Genome position (GRCh38, 1-based): chr12:112,916,672, C>T. VCF-style: chr12-112916672-C-T. GRCh37 (hg19) VCF-style: chr12-113354477-C-T.
Other names: c.818C>T, p.Thr273Ile (NM_001032409.3, NM_001320151.2, NM_001406022.1 and 1 more transcripts); c.794C>T, p.Thr265Ile (NM_001406020.1, NM_001406021.1, NM_001406023.1 and 2 more transcripts); c.344C>T, p.Thr115Ile (NM_001406026.1, NM_001406027.1, NM_001406029.1 and 1 more transcripts); short protein forms T115I, T265I, T273I.
Identifiers: ClinVar variation 4810999 (VCV004810999.1).
Genomic context (GRCh38, chr12:112,916,672, plus strand): 5'-AGGGATTTCGGACGGTCTTGGAATTAGTCATAAACTACCAGCAACTCTGCATCTACTGGA[C>T]AAAGTATTATGACTTTAAAAACCCCATTATTGAAAAGTACCTGAGAAGGCAGCTCACGAA-3'
Protein context (NP_058132.2, residues 263-283): INYQQLCIYW[Thr273Ile]KYYDFKNPII